The following is an entry in ClinVar:

ClinVar aggregate classification (germline): Uncertain significance (1 of 4 stars; one submission).

Allele frequency attached by ClinVar (database versions not stated): gnomAD exomes below 0.00001.
gnomAD v4.1: 1 of 1,601,604 alleles (0.000062%); highest among the groups gnomAD compares: South Asian, 0.0011%; no homozygotes.

Submission:

Labcorp Genetics (formerly Invitae), Labcorp
Classification: Uncertain significance. Last evaluated: 2022-07-19. Review status: criteria provided, single submitter. Criteria: Invitae Variant Classification Sherloc (09022015). Collection method: clinical testing. Allele origin: germline.
Comment: Algorithms developed to predict the effect of missense changes on protein structure and function (SIFT, PolyPhen-2, Align-GVGD) all suggest that this variant is likely to be tolerated. In summary, the available evidence is currently insufficient to determine the role of this variant in disease. Therefore, it has been classified as a Variant of Uncertain Significance. Algorithms developed to predict the effect of sequence changes on RNA splicing suggest that this variant may create or strengthen a splice site. ClinVar contains an entry for this variant (Variation ID: 1511203). This variant has not been reported in the literature in individuals affected with PAX1-related conditions. This variant is present in population databases (no rsID available, gnomAD 0.003%). This sequence change replaces glycine, which is neutral and non-polar, with serine, which is neutral and polar, at codon 384 of the PAX1 protein (p.Gly384Ser).

NM_001257096.2(PAX1):c.1150G>A (p.Gly384Ser)

Gene: PAX1 (paired box 1; plus strand). Cytogenetic location: 20p11.22.
Variant type: single nucleotide variant.
Coding change: c.1150G>A on transcript NM_001257096.2 (MANE Select); coding-DNA position 1150, G replaced by A.
Protein change: p.Gly384Ser; replaces glycine 384 with serine.
Molecular consequence: missense variant.
Genome position (GRCh38, 1-based): chr20:21,709,312, G>A. VCF-style: chr20-21709312-G-A. GRCh37 (hg19) VCF-style: chr20-21689950-G-A.
Other names: c.1150G>A, p.Gly384Ser (NM_006192.5); short protein forms G384S.
Identifiers: ClinVar variation 1511203 (VCV001511203.8), dbSNP rs1291243694, ClinGen allele CA408499468.
Genomic context (GRCh38, chr20:21,709,312, plus strand): 5'-TTTCTCCCCGCCTGCGCCTACCCGGCCTCCAACCAGCACGGCGTGTACAGCGCCCCGGGC[G>A]GCGGCTACCTCGCCCCGGGCCCGCCGTGGCCGCCTGCGCAAGGTCCTCCTCTGGCGCCCC-3'
Protein context (NP_001244025.1, residues 374-394): NQHGVYSAPG[Gly384Ser]GYLAPGPPWP